The following is an entry in ClinVar:

NM_001283009.2(RTEL1):c.3652G>A (p.Gly1218Ser)

Genes: RTEL1 (regulator of telomere elongation helicase 1; plus strand), RTEL1-TNFRSF6B (RTEL1-TNFRSF6B readthrough (NMD candidate); plus strand). Cytogenetic location: 20q13.33.
Variant type: single nucleotide variant.
Coding change: c.3652G>A on transcript NM_001283009.2 (MANE Select); coding-DNA position 3652, G replaced by A.
Protein change: p.Gly1218Ser; replaces glycine 1218 with serine.
Molecular consequence: missense variant. On other transcripts: non-coding transcript variant (1).
Genome position (GRCh38, 1-based): chr20:63,695,480, G>A. VCF-style: chr20-63695480-G-A. GRCh37 (hg19) VCF-style: chr20-62326833-G-A.
Other names: c.2983G>A, p.Gly995Ser (NM_001283010.1); c.3652G>A, p.Gly1218Ser (NM_016434.4); c.3724G>A, p.Gly1242Ser (NM_032957.5); short protein forms G1218S, G1242S, G995S.
Identifiers: ClinVar variation 4792488 (VCV004792488.2).
Genomic context (GRCh38, chr20:63,695,480, plus strand): 5'-GAGGATGCAGGTCCCAGCCAGTCCTCAGGACCTCCCCACGGGCCTGCAGCATCTGAGTGG[G>A]GTGAGCCTCATGGGAGAGACATCGCTGGGCAGCAGGCCACGGGAGCTCCGGGCGGGCCCC-3'
Protein context (NP_001269938.1, residues 1208-1228): PPHGPAASEW[Gly1218Ser]EPHGRDIAGQ

ClinVar aggregate classification (germline): Uncertain significance. Review status: criteria provided, multiple submitters, no conflicts (2 of 4 stars). 2 submissions from 2 submitters: Uncertain significance (2). Last evaluated 2026-07-12.

Conditions:
Inborn genetic diseases. Identifiers: MedGen C0950123, MeSH D030342.
Dyskeratosis congenita, autosomal recessive 5 (DKCB5). Identifiers: MedGen C3554656, MONDO:0014076, OMIM 615190.
Pulmonary fibrosis and/or bone marrow failure, Telomere-related, 3. Also called: PULMONARY FIBROSIS AND/OR BONE MARROW FAILURE SYNDROME, TELOMERE-RELATED, 3. Identifiers: Orphanet 2032, MedGen C4225346, MONDO:0014613, OMIM 616373.

Submissions (2):

Ambry Genetics
Classification: Uncertain significance for Inborn genetic diseases. Last evaluated: 2026-07-12. Review status: criteria provided, single submitter. Criteria: Ambry Variant Classification Scheme 2023. Collection method: clinical testing. Allele origin: germline.
Comment: The p.G1218S variant (also known as c.3652G>A), located in coding exon 33 of the RTEL1 gene, results from a G to A substitution at nucleotide position 3652. The glycine at codon 1218 is replaced by serine, an amino acid with similar properties. This amino acid position is conserved. In addition, this alteration is predicted to be tolerated by in silico analysis. Based on the available evidence, the clinical significance of this variant remains unclear.

Labcorp Genetics (formerly Invitae), Labcorp
Classification: Uncertain significance for Dyskeratosis congenita, autosomal recessive 5; Pulmonary fibrosis and/or bone marrow failure, Telomere-related, 3. Last evaluated: 2025-03-10. Review status: criteria provided, single submitter. Criteria: Invitae Variant Classification Sherloc (09022015). Collection method: clinical testing. Allele origin: germline.
Comment: This sequence change replaces glycine, which is neutral and non-polar, with serine, which is neutral and polar, at codon 1218 of the RTEL1 protein (p.Gly1218Ser). This variant is not present in population databases (gnomAD no frequency). This variant has not been reported in the literature in individuals affected with RTEL1-related conditions. An algorithm developed to predict the effect of missense changes on protein structure and function outputs the following: PolyPhen-2: "Possibly Damaging". The serine amino acid residue is found in multiple mammalian species, which suggests that this missense change does not adversely affect protein function. In summary, the available evidence is currently insufficient to determine the role of this variant in disease. Therefore, it has been classified as a Variant of Uncertain Significance.